The following is an entry in ClinVar:

NM_001042492.3(NF1):c.3113+9T>C

Gene: NF1 (neurofibromin 1; plus strand). Cytogenetic location: 17q11.2.
Variant type: single nucleotide variant.
Coding change: c.3113+9T>C on transcript NM_001042492.3 (MANE Select); 9 bases into the intron after coding-DNA position 3113, T replaced by C.
Molecular consequence: intron variant.
Genome position (GRCh38, 1-based): chr17:31,230,391, T>C. VCF-style: chr17-31230391-T-C. GRCh37 (hg19) VCF-style: chr17-29557409-T-C.
Other names: c.3113+9T>C (NM_000267.4).
Identifiers: ClinVar variation 730810 (VCV000730810.11), dbSNP rs1181782378, ClinGen allele CA625470574.

ClinVar aggregate classification (germline): Likely benign. Review status: criteria provided, multiple submitters, no conflicts (2 of 4 stars). 3 submissions from 3 submitters: Likely benign (3). Last evaluated 2026-05-12.

Conditions:
Neurofibromatosis, type 1 (NF1). Also called: Neurofibromatosis, type I; VON RECKLINGHAUSEN DISEASE; NEUROFIBROMATOSIS, TYPE I, SOMATIC; Peripheral type neurofibromatosis. Identifiers: Orphanet 636, MedGen C0027831, MONDO:0018975, OMIM 162200. Disease mechanism: loss of function.

Allele frequency attached by ClinVar (database versions not stated): gnomAD exomes below 0.00001 and 0.00001; TOPMed below 0.00001; gnomAD 0.00001.
gnomAD v4.1: 16 of 1,613,192 alleles (0.00099%); highest among the groups gnomAD compares: Non-Finnish European, 0.0014%; no homozygotes.

Submissions (3):

Myriad Genetics, Inc.
Classification: Likely benign for Neurofibromatosis, type 1. Last evaluated: 2026-05-12. Review status: criteria provided, single submitter. Criteria: Myriad Autosomal Dominant, Autosomal Recessive and X-Linked Classification Criteria (2023). Collection method: clinical testing. Allele origin: unknown.
Comment: This variant is considered likely benign. This variant is intronic and is not expected to impact mRNA splicing.

Labcorp Genetics (formerly Invitae), Labcorp
Classification: Likely benign for Neurofibromatosis, type 1. Last evaluated: 2024-12-23. Review status: criteria provided, single submitter. Criteria: Invitae Variant Classification Sherloc (09022015). Collection method: clinical testing. Allele origin: germline.

Blueprint Genetics
Classification: Likely benign. Last evaluated: 2023-12-28. Review status: criteria provided, single submitter. Criteria: ACMG Guidelines, 2015. Collection method: clinical testing. Allele origin: germline.